The following is an entry in ClinVar:

ClinVar aggregate classification (germline): Benign/Likely benign. Review status: criteria provided, multiple submitters, no conflicts (2 of 4 stars). 6 submissions from 6 submitters: Benign (3); Likely benign (2). 1 of the submissions does not count toward it. Last evaluated 2026-02-02.

Conditions:
LAMC3-related disorder. Also called: LAMC3-related condition.

Allele frequency attached by ClinVar (database versions not stated): gnomAD exomes 0.00337; ExAC 0.00353; 1000 Genomes Project 0.00819; 1000 Genomes Project 30x 0.00874; gnomAD 0.00965 and 0.01053; ESP Exome Variant Server 0.00977; TOPMed 0.01082.
gnomAD v4.1: 4,319 of 1,613,700 alleles (0.27%); highest among the groups gnomAD compares: African/African-American, 2.7%; 36 homozygotes.

Submissions (6):

Labcorp Genetics (formerly Invitae), Labcorp
Classification: Benign. Last evaluated: 2026-02-02. Review status: criteria provided, single submitter. Criteria: Invitae Variant Classification Sherloc (09022015). Collection method: clinical testing. Allele origin: germline.

Center for Pediatric Genomic Medicine, Children's Mercy Hospital and Clinics
Classification: Likely benign. Last evaluated: 2017-02-27. Review status: criteria provided, single submitter. Criteria: ACMG Guidelines, 2015. Collection method: clinical testing. Allele origin: germline.

Genetic Services Laboratory, University of Chicago
Classification: Benign. Last evaluated: 2016-08-05. Review status: criteria provided, single submitter. Criteria: ACMG Guidelines, 2015. Collection method: clinical testing. Allele origin: germline. Affected: no.

GeneDx
Classification: Benign. Last evaluated: 2015-07-24. Review status: criteria provided, single submitter. Criteria: GeneDx Variant Classification (06012015). Collection method: clinical testing. Allele origin: germline. Affected: yes.
Comment: This variant is considered likely benign or benign based on one or more of the following criteria: it is a conservative change, it occurs at a poorly conserved position in the protein, it is predicted to be benign by multiple in silico algorithms, and/or has population frequency not consistent with disease.

Breakthrough Genomics
Classification: Likely benign. Review status: criteria provided, single submitter. Criteria: ACMG Guidelines, 2015. Collection method: not provided. Allele origin: germline. Inheritance: Autosomal recessive inheritance. Affected: yes.

PreventionGenetics, part of Exact Sciences
Classification: Benign for LAMC3-related condition. Last evaluated: 2019-05-14. Review status: no assertion criteria provided. Collection method: clinical testing. Allele origin: germline. Not counted in ClinVar's aggregate classification.
Comment: This variant is classified as benign based on ACMG/AMP sequence variant interpretation guidelines (Richards et al. 2015 PMID: 25741868, with internal and published modifications).

NM_006059.4(LAMC3):c.1792G>A (p.Gly598Arg)

Genes: LAMC3 (laminin subunit gamma 3; plus strand), LOC126860777 (BRD4-independent group 4 enhancer GRCh37_chr9:133927058-133928257; plus strand). Cytogenetic location: 9q34.12.
Variant type: single nucleotide variant.
Coding change: c.1792G>A on transcript NM_006059.4 (MANE Select); coding-DNA position 1792, G replaced by A.
Protein change: p.Gly598Arg; replaces glycine 598 with arginine.
Molecular consequence: missense variant.
Genome position (GRCh38, 1-based): chr9:131,052,652, G>A. VCF-style: chr9-131052652-G-A. GRCh37 (hg19) VCF-style: chr9-133928039-G-A.
Other names: short protein forms G598R.
Identifiers: ClinVar variation 129453 (VCV000129453.21), dbSNP rs116422150, ClinGen allele CA153474.
Genomic context (GRCh38, chr9:131,052,652, plus strand): 5'-GAAGGGACAGGCTTGGCCCTGTCCCTGAGGCACTCTAGCCTGTCTGGCCCCCAGGATGCC[G>A]GGCATCCCAGGGAGGTAGAGCTCAGGTTCCAGTAAGTATCCCCTTCTGTCCTGAGAGATG-3'
Protein context (NP_006050.3, residues 588-608): HSSLSGPQDA[Gly598Arg]HPREVELRFH